The following is an entry in ClinVar:

ClinVar aggregate classification (germline): Uncertain significance (1 of 4 stars; one submission).

Conditions:
Noonan syndrome 9 (NS9). Identifiers: Orphanet 648, MedGen C4225282, MONDO:0014691, OMIM 616559.

Submission:

Labcorp Genetics (formerly Invitae), Labcorp
Classification: Uncertain significance for Noonan syndrome 9. Last evaluated: 2022-05-18. Review status: criteria provided, single submitter. Criteria: Invitae Variant Classification Sherloc (09022015). Collection method: clinical testing. Allele origin: germline.
Comment: Advanced modeling of protein sequence and biophysical properties (such as structural, functional, and spatial information, amino acid conservation, physicochemical variation, residue mobility, and thermodynamic stability) performed at Invitae indicates that this missense variant is expected to disrupt SOS2 protein function. In summary, the available evidence is currently insufficient to determine the role of this variant in disease. Therefore, it has been classified as a Variant of Uncertain Significance. This sequence change replaces alanine, which is neutral and non-polar, with proline, which is neutral and non-polar, at codon 783 of the SOS2 protein (p.Ala783Pro). This variant is not present in population databases (gnomAD no frequency). This variant has not been reported in the literature in individuals affected with SOS2-related conditions.

NM_006939.4(SOS2):c.2347G>C (p.Ala783Pro)

Gene: SOS2 (SOS Ras/Rho guanine nucleotide exchange factor 2; minus strand). Cytogenetic location: 14q21.3.
Variant type: single nucleotide variant.
Coding change: c.2347G>C on transcript NM_006939.4 (MANE Select); coding-DNA position 2347, G replaced by C.
Protein change: p.Ala783Pro; replaces alanine 783 with proline.
Molecular consequence: missense variant.
Genome position (GRCh38, 1-based): chr14:50,150,045, C>G on the plus strand (G>C on the coding strand, the complement: SOS2 is on the minus strand). VCF-style: chr14-50150045-C-G. GRCh37 (hg19) VCF-style: chr14-50616763-C-G.
Other names: c.2248G>C, p.Ala750Pro (NM_001411020.1); short protein forms A783P, A750P.
Identifiers: ClinVar variation 1996099 (VCV001996099.4), dbSNP rs774498876, ClinGen allele CA389643658.